The following is an entry in ClinVar:

ClinVar aggregate classification (germline): Likely benign (1 of 4 stars; one submission).

Submission:

GeneDx
Classification: Likely benign. Last evaluated: 2018-04-17. Review status: criteria provided, single submitter. Criteria: GeneDx Variant Classification (06012015). Collection method: clinical testing. Allele origin: germline. Affected: yes.
Comment: This variant is considered likely benign or benign based on one or more of the following criteria: it is a conservative change, it occurs at a poorly conserved position in the protein, it is predicted to be benign by multiple in silico algorithms, and/or has population frequency not consistent with disease.

NM_004329.3(BMPR1A):c.431-13C>A

Gene: BMPR1A (bone morphogenetic protein receptor type 1A; plus strand). Cytogenetic location: 10q23.2.
Variant type: single nucleotide variant.
Coding change: c.431-13C>A on transcript NM_004329.3 (MANE Select); 13 bases into the intron before coding-DNA position 431, C replaced by A.
Molecular consequence: intron variant.
Genome position (GRCh38, 1-based): chr10:86,900,014, C>A. VCF-style: chr10-86900014-C-A. GRCh37 (hg19) VCF-style: chr10-88659771-C-A.
Identifiers: ClinVar variation 682266 (VCV000682266.1), dbSNP rs1589768162, ClinGen allele CA915947538.